The following is an entry in ClinVar:

ClinVar aggregate classification (germline): Uncertain significance (1 of 4 stars; one submission).

Submission:

Ambry Genetics
Classification: Uncertain significance. Last evaluated: 2024-08-25. Review status: criteria provided, single submitter. Criteria: Ambry Variant Classification Scheme 2023. Collection method: clinical testing. Allele origin: germline.
Comment: The p.G182E variant (also known as c.545G>A), located in coding exon 5 of the PKP4 gene, results from a G to A substitution at nucleotide position 545. The glycine at codon 182 is replaced by glutamic acid, an amino acid with similar properties. This amino acid position is conserved. In addition, this alteration is predicted to be tolerated by in silico analysis. Based on the available evidence, the clinical significance of this variant remains unclear.

NM_003628.6(PKP4):c.545G>A (p.Gly182Glu)

Gene: PKP4 (plakophilin 4; plus strand). Cytogenetic location: 2q24.1.
Variant type: single nucleotide variant.
Coding change: c.545G>A on transcript NM_003628.6 (MANE Select); coding-DNA position 545, G replaced by A.
Protein change: p.Gly182Glu; replaces glycine 182 with glutamic acid.
Molecular consequence: missense variant. On other transcripts: 5 prime UTR variant (1).
Genome position (GRCh38, 1-based): chr2:158,621,363, G>A. VCF-style: chr2-158621363-G-A. GRCh37 (hg19) VCF-style: chr2-159477875-G-A.
Other names: c.545G>A, p.Gly182Glu (NM_001005476.4, NM_001304969.3, NM_001304971.2 and 6 more transcripts); c.-405G>A (NM_001304970.3); c.539G>A, p.Gly180Glu (NM_001377222.1, NM_001377223.1, NM_001377224.1); short protein forms G182E, G180E.
Identifiers: ClinVar variation 3419572 (VCV003419572.1).
Genomic context (GRCh38, chr2:158,621,363, plus strand): 5'-GTTTCCACAACAGCCAGAACGTGAGCAAGGCAGACAACAGACAGCAGCATTCATTCATAG[G>A]ATCAACTAACAACCATGTGGTGAGGAATTCAAGAGCTGAAGGACAAACACTGGTTCAGGT-3'
Protein context (NP_003619.2, residues 172-192): ADNRQQHSFI[Gly182Glu]STNNHVVRNS